The following is an entry in ClinVar:

NM_032119.4(ADGRV1):c.8852T>C (p.Ile2951Thr)

Gene: ADGRV1 (adhesion G protein-coupled receptor V1; plus strand). Cytogenetic location: 5q14.3.
Variant type: single nucleotide variant.
Coding change: c.8852T>C on transcript NM_032119.4 (MANE Select); coding-DNA position 8852, T replaced by C.
Protein change: p.Ile2951Thr; replaces isoleucine 2951 with threonine.
Molecular consequence: missense variant. On other transcripts: non-coding transcript variant (1).
Genome position (GRCh38, 1-based): chr5:90,711,008, T>C. VCF-style: chr5-90711008-T-C. GRCh37 (hg19) VCF-style: chr5-90006825-T-C.
Other names: short protein forms I2951T.
Identifiers: ClinVar variation 1062889 (VCV001062889.9), dbSNP rs1334344612, ClinGen allele CA360395258.

ClinVar aggregate classification (germline): Uncertain significance (1 of 4 stars; one submission).

Submission:

Labcorp Genetics (formerly Invitae), Labcorp
Classification: Uncertain significance. Last evaluated: 2020-09-16. Review status: criteria provided, single submitter. Criteria: Invitae Variant Classification Sherloc (09022015). Collection method: clinical testing. Allele origin: germline.
Comment: In summary, the available evidence is currently insufficient to determine the role of this variant in disease. Therefore, it has been classified as a Variant of Uncertain Significance. Algorithms developed to predict the effect of missense changes on protein structure and function output the following: SIFT: "Deleterious"; PolyPhen-2: "Benign"; Align-GVGD: "Class C0". The threonine amino acid residue is found in multiple mammalian species, suggesting that this missense change does not adversely affect protein function. These predictions have not been confirmed by published functional studies and their clinical significance is uncertain. This variant has not been reported in the literature in individuals with ADGRV1-related conditions. This variant is not present in population databases (ExAC no frequency). This sequence change replaces isoleucine with threonine at codon 2951 of the ADGRV1 protein (p.Ile2951Thr). The isoleucine residue is moderately conserved and there is a moderate physicochemical difference between isoleucine and threonine.